The following is an entry in ClinVar:

NM_001374736.1(DST):c.9021del (p.Lys3007fs)

Gene: DST (dystonin; minus strand). Cytogenetic location: 6p12.1.
Variant type: Deletion.
Coding change: c.9021del on transcript NM_001374736.1 (MANE Select); coding-DNA position 9021, one base deleted (A; older notation c.9021delA).
Protein change: p.Lys3007fs; shifts the reading frame from lysine 3007.
Molecular consequence: frameshift variant. On other transcripts: intron variant (6).
Genome position (GRCh38, 1-based): chr6:56,605,607, T deleted on the plus strand (A on the coding strand, the reverse complement: DST is on the minus strand); the first of 4 consecutive T bases (chr6:56,605,607-56,605,610); deleting any one gives the same sequence. VCF-style (leftmost placement, unchanged base first): chr6-56605606-GT-G. GRCh37 (hg19) VCF-style: chr6-56470404-GT-G.
Other names: c.9021del, p.Lys3007fs (NM_001374722.1); c.8388del, p.Lys2796fs (NM_001374729.1); c.9048del, p.Lys3016fs (NM_001374734.1); c.5184+4820del (NM_001144769.5); c.4770+4820del (NM_001144770.2); c.4650+4820del (NM_001374730.1, NM_001386100.1, NM_183380.4); c.3672+4820del (NM_015548.5); short protein forms K2796fs, K3007fs, K3016fs.
Identifiers: ClinVar variation 4814211 (VCV004814211.1).
Genomic context (GRCh38, chr6:56,605,606, plus strand): 5'-TTCCTTGAGGATCTTTGTCAGTTACAGAGGCTATCAATGACAAATGGCTTTCCTCAGCAG[GT>G]TTTCCTATTAAATCAGGCTCAGTACAAATGATGTGATCAAGAGATGAGTCAACTTTTGGT-3'

ClinVar aggregate classification (germline): Likely pathogenic (1 of 4 stars; one submission).

Conditions:
DST-related disorder. Also called: DST-related disorders; DST-related condition.

Submission:

Rady Children's Institute for Genomic Medicine, Rady Children's Hospital San Diego
Classification: Likely pathogenic for DST-related disorders. Last evaluated: 2026-01-03. Review status: criteria provided, single submitter. Criteria: ACMG Guidelines, 2015. Collection method: clinical testing. Allele origin: germline. Affected: yes.
Comment: This frameshifting variant in exon 40 of 104 is predicted to result in loss of normal protein function through either protein truncation or nonsense-mediated mRNA decay. Loss-of-function variation in DST exon 40 on transcript NM_001374736.1 is an established mechanism of disease for DST-related congenital myopathy (PMID: 40497796). This variant has not been previously reported or functionally characterized in the literature to our knowledge. The c.9021del (p.Lys3007AsnfsTer10) variant is present in the latest version of the gnomAD population database at an allele frequency of 0.0002% (3/1613004), and is absent in the homozygous state, thus is presumed to be rare. Based on the available evidence, c.9021del (p.Lys3007AsnfsTer10) is classified as Likely Pathogenic.

Literature cited by the submitters: PubMed 40497796.